The following is an entry in ClinVar:

NM_006734.4(HIVEP2):c.1967A>G (p.Gln656Arg)

Gene: HIVEP2 (HIVEP zinc finger 2; minus strand). Cytogenetic location: 6q24.2.
Variant type: single nucleotide variant.
Coding change: c.1967A>G on transcript NM_006734.4 (MANE Select); coding-DNA position 1967, A replaced by G.
Protein change: p.Gln656Arg; replaces glutamine 656 with arginine.
Molecular consequence: missense variant.
Genome position (GRCh38, 1-based): chr6:142,772,772, T>C on the plus strand (A>G on the coding strand, the complement: HIVEP2 is on the minus strand). VCF-style: chr6-142772772-T-C. GRCh37 (hg19) VCF-style: chr6-143093909-T-C.
Other names: short protein forms Q656R.
Identifiers: ClinVar variation 1983460 (VCV001983460.12), dbSNP rs762254729, ClinGen allele CA4028500.

ClinVar aggregate classification (germline): Conflicting classifications of pathogenicity. Review status: criteria provided, conflicting classifications (1 of 4 stars). 3 submissions from 3 submitters: Uncertain significance (1); Likely benign (2). Last evaluated 2026-01-13.

Allele frequency attached by ClinVar (database versions not stated): gnomAD 0.00003; gnomAD exomes 0.00003; TOPMed 0.00003; ExAC 0.00005.
gnomAD v4.1: 56 of 1,614,120 alleles (0.0035%); highest among the groups gnomAD compares: Non-Finnish European, 0.0039%; no homozygotes.

Submissions (3):

Women's Health and Genetics/Laboratory Corporation of America, LabCorp
Classification: Uncertain significance. Last evaluated: 2026-01-13. Review status: criteria provided, single submitter. Criteria: LabCorp Variant Classification Summary - May 2015. Collection method: clinical testing. Allele origin: germline.
Comment: Variant summary: HIVEP2 c.1967A>G (p.Gln656Arg) results in a conservative amino acid change in the encoded protein sequence. Algorithms developed to predict the effect of missense changes on protein structure and function are either unavailable or do not agree on the potential impact of this missense change. The variant allele was found at a frequency of 4e-05 in 249536 control chromosomes. This frequency is not significantly higher than estimated for disease-causing variants in HIVEP2, allowing no conclusion about variant significance. To our knowledge, no occurrence of c.1967A>G in individuals affected with HIVEP2-related conditions and no experimental evidence demonstrating its impact on protein function have been reported. ClinVar contains an entry for this variant (Variation ID: 1983460). Based on the evidence outlined above, the variant was classified as uncertain significance.

Labcorp Genetics (formerly Invitae), Labcorp
Classification: Likely benign. Last evaluated: 2025-10-02. Review status: criteria provided, single submitter. Criteria: Invitae Variant Classification Sherloc (09022015). Collection method: clinical testing. Allele origin: germline.

CeGaT Center for Human Genetics Tuebingen
Classification: Likely benign. Last evaluated: 2025-09-01. Review status: criteria provided, single submitter. Criteria: CeGaT Center For Human Genetics Tuebingen Variant Classification Criteria Version 2. Collection method: clinical testing. Allele origin: germline. Affected: yes. Observed: 1 variant allele.
Comment: HIVEP2: BP4